The following is an entry in ClinVar:

NM_002291.3(LAMB1):c.1955A>T (p.Asn652Ile)

Gene: LAMB1 (laminin subunit beta 1; minus strand). Cytogenetic location: 7q31.1.
Variant type: single nucleotide variant.
Coding change: c.1955A>T on transcript NM_002291.3 (MANE Select); coding-DNA position 1955, A replaced by T.
Protein change: p.Asn652Ile; replaces asparagine 652 with isoleucine.
Molecular consequence: missense variant.
Genome position (GRCh38, 1-based): chr7:107,961,579, T>A on the plus strand (A>T on the coding strand, the complement: LAMB1 is on the minus strand). VCF-style: chr7-107961579-T-A. GRCh37 (hg19) VCF-style: chr7-107602024-T-A.
Other names: short protein forms N652I.
Identifiers: ClinVar variation 2983647 (VCV002983647.3), dbSNP rs150124951, ClinGen allele CA4435818.

ClinVar aggregate classification (germline): Uncertain significance (1 of 4 stars; one submission).

Allele frequency attached by ClinVar (database versions not stated): ExAC 0.00001; gnomAD 0.00003; 1000 Genomes Project 30x 0.00016; 1000 Genomes Project 0.00020.
gnomAD v4.1: 26 of 1,614,032 alleles (0.0016%); highest among the groups gnomAD compares: Non-Finnish European, 0.002%; no homozygotes.

Submission:

Labcorp Genetics (formerly Invitae), Labcorp
Classification: Uncertain significance. Last evaluated: 2024-10-24. Review status: criteria provided, single submitter. Criteria: Invitae Variant Classification Sherloc (09022015). Collection method: clinical testing. Allele origin: germline.
Comment: This sequence change replaces asparagine, which is neutral and polar, with isoleucine, which is neutral and non-polar, at codon 652 of the LAMB1 protein (p.Asn652Ile). This variant is present in population databases (rs150124951, gnomAD 0.002%). This variant has not been reported in the literature in individuals affected with LAMB1-related conditions. An algorithm developed to predict the effect of missense changes on protein structure and function (PolyPhen-2) suggests that this variant is likely to be tolerated. In summary, the available evidence is currently insufficient to determine the role of this variant in disease. Therefore, it has been classified as a Variant of Uncertain Significance.